The following is an entry in ClinVar:

ClinVar aggregate classification (germline): Uncertain significance. Review status: criteria provided, multiple submitters, no conflicts (2 of 4 stars). 2 submissions from 2 submitters: Uncertain significance (2). Last evaluated 2024-04-07.

Conditions:
Hereditary cancer-predisposing syndrome. Also called: Neoplastic Syndromes, Hereditary; Tumor predisposition; Hereditary Cancer Syndrome; Hereditary neoplastic syndrome. Identifiers: Orphanet 140162, MedGen C0027672, MeSH D009386, MONDO:0015356.

Submissions (2):

Ambry Genetics
Classification: Uncertain significance for Hereditary cancer-predisposing syndrome. Last evaluated: 2024-04-07. Review status: criteria provided, single submitter. Criteria: Ambry Variant Classification Scheme 2023. Collection method: clinical testing. Allele origin: germline.
Comment: The p.V713L variant (also known as c.2137G>C), located in coding exon 11 of the BARD1 gene, results from a G to C substitution at nucleotide position 2137. The valine at codon 713 is replaced by leucine, an amino acid with highly similar properties. This amino acid position is highly conserved in available vertebrate species. In addition, the in silico prediction for this alteration is inconclusive. Since supporting evidence is limited at this time, the clinical significance of this alteration remains unclear.

Color Diagnostics, LLC DBA Color Health
Classification: Uncertain significance for Hereditary cancer-predisposing syndrome. Last evaluated: 2024-03-07. Review status: criteria provided, single submitter. Criteria: ACMG Guidelines, 2015. Collection method: clinical testing. Allele origin: germline.
Comment: This missense variant replaces valine with leucine at codon 713 of the BARD1 protein. Computational prediction suggests that this variant may not impact protein structure and function (internally defined REVEL score threshold <= 0.5, PMID: 27666373). To our knowledge, functional studies have not been reported for this variant. This variant has not been reported in individuals affected with hereditary cancer in the literature. This variant has not been identified in the general population by the Genome Aggregation Database (gnomAD). The available evidence is insufficient to determine the role of this variant in disease conclusively. Therefore, this variant is classified as a Variant of Uncertain Significance.

NM_000465.4(BARD1):c.2137G>C (p.Val713Leu)

Gene: BARD1 (BRCA1 associated RING domain 1; minus strand). Cytogenetic location: 2q35.
Variant type: single nucleotide variant.
Coding change: c.2137G>C on transcript NM_000465.4 (MANE Select); coding-DNA position 2137, G replaced by C.
Protein change: p.Val713Leu; replaces valine 713 with leucine.
Molecular consequence: missense variant. On other transcripts: non-coding transcript variant (3).
Genome position (GRCh38, 1-based): chr2:214,728,873, C>G on the plus strand (G>C on the coding strand, the complement: BARD1 is on the minus strand). VCF-style: chr2-214728873-C-G. GRCh37 (hg19) VCF-style: chr2-215593597-C-G.
Other names: c.2080G>C, p.Val694Leu (NM_001282543.2); c.784G>C, p.Val262Leu (NM_001282545.2); c.727G>C, p.Val243Leu (NM_001282548.2); c.598G>C, p.Val200Leu (NM_001282549.2); c.2137G>C (NM_000465.2); short protein forms V200L, V243L, V694L, V262L, V713L.
Identifiers: ClinVar variation 923572 (VCV000923572.7), dbSNP rs546077003, ClinGen allele CA350450515.
Genomic context (GRCh38, chr2:214,728,873, plus strand): 5'-AGAAGCGCTGATCAGAATCGGGTCTCGCATGGTATGCGACTGTATTGATGGTCTGAGTCA[C>G]GTCACTGTCTGGCTTGGGCTTTCTACTGAGGATCTGGCCCCCACCTGCAGTGACGAGCTT-3'
Protein context (NP_000456.2, residues 703-723): LSRKPKPDSD[Val713Leu]TQTINTVAYH